The following is an entry in ClinVar:

ClinVar aggregate classification (germline): Uncertain significance. Review status: criteria provided, multiple submitters, no conflicts (2 of 4 stars). 3 submissions from 3 submitters: Uncertain significance (2). 1 of the submissions does not count toward it. Last evaluated 2024-11-07.

Conditions:
IFT74-related disorder. Also called: IFT74-Related Disorders; IFT74-related condition.
Inborn genetic diseases. Identifiers: MedGen C0950123, MeSH D030342.

Allele frequency attached by ClinVar (database versions not stated): TOPMed 0.00012; gnomAD 0.00015 and 0.00016; gnomAD exomes 0.00016 and 0.00022; ExAC 0.00026; ESP Exome Variant Server 0.00034.
gnomAD v4.1: 338 of 1,577,346 alleles (0.021%); highest among the groups gnomAD compares: Non-Finnish European, 0.027%; no homozygotes.

Submissions (3):

Ambry Genetics
Classification: Uncertain significance for Inborn genetic diseases. Last evaluated: 2024-11-07. Review status: criteria provided, single submitter. Criteria: Ambry Variant Classification Scheme 2023. Collection method: clinical testing. Allele origin: germline.

Labcorp Genetics (formerly Invitae), Labcorp
Classification: Uncertain significance. Last evaluated: 2022-09-01. Review status: criteria provided, single submitter. Criteria: Invitae Variant Classification Sherloc (09022015). Collection method: clinical testing. Allele origin: germline.
Comment: This sequence change replaces leucine, which is neutral and non-polar, with histidine, which is basic and polar, at codon 247 of the IFT74 protein (p.Leu247His). This variant is present in population databases (rs199543657, gnomAD 0.03%). This variant has not been reported in the literature in individuals affected with IFT74-related conditions. ClinVar contains an entry for this variant (Variation ID: 1370227). Algorithms developed to predict the effect of missense changes on protein structure and function (SIFT, PolyPhen-2, Align-GVGD) all suggest that this variant is likely to be tolerated. In summary, the available evidence is currently insufficient to determine the role of this variant in disease. Therefore, it has been classified as a Variant of Uncertain Significance.

PreventionGenetics, part of Exact Sciences
Classification: Uncertain significance for IFT74-related condition. Last evaluated: 2024-04-03. Review status: no assertion criteria provided. Collection method: clinical testing. Allele origin: germline. Not counted in ClinVar's aggregate classification.
Comment: The IFT74 c.740T>A variant is predicted to result in the amino acid substitution p.Leu247His. To our knowledge, this variant has not been reported in the literature. This variant is reported in 0.032% of alleles in individuals of European (non-Finnish) descent in gnomAD. At this time, the clinical significance of this variant is uncertain due to the absence of conclusive functional and genetic evidence.

NM_025103.4(IFT74):c.740T>A (p.Leu247His)

Gene: IFT74 (intraflagellar transport 74; plus strand). Cytogenetic location: 9p21.2.
Variant type: single nucleotide variant.
Coding change: c.740T>A on transcript NM_025103.4 (MANE Select); coding-DNA position 740, T replaced by A.
Protein change: p.Leu247His; replaces leucine 247 with histidine.
Molecular consequence: missense variant.
Genome position (GRCh38, 1-based): chr9:27,011,919, T>A. VCF-style: chr9-27011919-T-A. GRCh37 (hg19) VCF-style: chr9-27011917-T-A.
Other names: c.740T>A, p.Leu247His (NM_001099222.3, NM_001099223.3, NM_001099224.3 and 1 more transcripts); c.740T>A (NM_001099222.1, NM_025103.2); short protein forms L247H.
Identifiers: ClinVar variation 1370227 (VCV001370227.9), dbSNP rs199543657, ClinGen allele CA5015379.